The following is an entry in ClinVar:

NM_018076.5(ODAD2):c.648C>G (p.Asn216Lys)

Gene: ODAD2 (outer dynein arm docking complex subunit 2; minus strand). Cytogenetic location: 10p12.1.
Variant type: single nucleotide variant.
Coding change: c.648C>G on transcript NM_018076.5 (MANE Select); coding-DNA position 648, C replaced by G.
Protein change: p.Asn216Lys; replaces asparagine 216 with lysine.
Molecular consequence: missense variant.
Genome position (GRCh38, 1-based): chr10:27,984,218, G>C on the plus strand (C>G on the coding strand, the complement: ODAD2 is on the minus strand). VCF-style: chr10-27984218-G-C. GRCh37 (hg19) VCF-style: chr10-28273147-G-C.
Other names: c.648C>G, p.Asn216Lys (NM_001290020.2); short protein forms N216K.
Identifiers: ClinVar variation 655712 (VCV000655712.6), dbSNP rs1588661852, ClinGen allele CA376396484.

ClinVar aggregate classification (germline): Uncertain significance (1 of 4 stars; one submission).

Conditions:
Primary ciliary dyskinesia 23 (CILD23). Also called: CILIARY DYSKINESIA, PRIMARY, 23, WITH OR WITHOUT SITUS INVERSUS. Identifiers: Orphanet 244, MedGen C3809548, MONDO:0014193, OMIM 615451.

Submission:

Labcorp Genetics (formerly Invitae), Labcorp
Classification: Uncertain significance for Primary ciliary dyskinesia 23. Last evaluated: 2018-10-25. Review status: criteria provided, single submitter. Criteria: Invitae Variant Classification Sherloc (09022015). Collection method: clinical testing. Allele origin: germline.
Comment: Algorithms developed to predict the effect of missense changes on protein structure and function output the following: SIFT: "Tolerated"; PolyPhen-2: "Benign"; Align-GVGD: "Class C0". The lysine amino acid residue is found in multiple mammalian species, suggesting that this missense change does not adversely affect protein function. These predictions have not been confirmed by published functional studies and their clinical significance is uncertain. In summary, the available evidence is currently insufficient to determine the role of this variant in disease. Therefore, it has been classified as a Variant of Uncertain Significance. This variant has not been reported in the literature in individuals with ARMC4-related disease. This variant is not present in population databases (ExAC no frequency). This sequence change replaces asparagine with lysine at codon 216 of the ARMC4 protein (p.Asn216Lys). The asparagine residue is weakly conserved and there is a moderate physicochemical difference between asparagine and lysine.